The following is an entry in ClinVar:

ClinVar aggregate classification (germline): Pathogenic (1 of 4 stars; one submission).

Conditions:
Familial adenomatous polyposis 1 (FAP1). Also called: FAMILIAL ADENOMATOUS POLYPOSIS 1, ATTENUATED; POLYPOSIS, ADENOMATOUS INTESTINAL. Identifiers: MedGen C2713442, MONDO:0021056, OMIM 175100. Disease mechanism: loss of function.

Submission:

Labcorp Genetics (formerly Invitae), Labcorp
Classification: Pathogenic for Familial adenomatous polyposis 1. Last evaluated: 2020-12-03. Review status: criteria provided, single submitter. Criteria: Invitae Variant Classification Sherloc (09022015). Collection method: clinical testing. Allele origin: germline.
Comment: A different truncation (p.Tyr2645Lysfs*14) that lies downstream of this variant has been determined to be pathogenic (PMID: 9824584, 1316610, 27081525, 8381579, 22135120, Invitae). This suggests that deletion of this region of the APC protein is causative of disease. For these reasons, this variant has been classified as Pathogenic. This sequence change results in a premature translational stop signal in the APC gene (p.Ser1465Argfs*3). While this is not anticipated to result in nonsense mediated decay, it is expected to disrupt the last 1379 amino acids of the APC protein. This variant is not present in population databases (ExAC no frequency). This variant has been observed in individual(s) with clinical features of famlial adenomatous polyposis (PMID: 8844222). This variant is expected to disrupt the EB1 and HDLG binding sites, which mediate interactions with the cytoskeleton (PMID: 15311282, 17293347). While functional studies have not been performed to directly test the effect on APC protein function, this suggests that disruption of the C-terminal portion of the protein is functionally important.

Literature cited by the submitters: PubMed 9824584; PubMed 1316610; PubMed 27081525; PubMed 8381579; PubMed 22135120; PubMed 8844222; PubMed 15311282; PubMed 17293347.

NM_000038.6(APC):c.4395_4396del (p.Ser1465fs)

Gene: APC (APC regulator of Wnt signaling pathway; plus strand). Cytogenetic location: 5q22.2.
Variant type: Deletion.
Coding change: c.4395_4396del on transcript NM_000038.6 (MANE Select); coding-DNA positions 4395 to 4396, 2 bases deleted (TG; older notation c.4395_4396delTG).
Protein change: p.Ser1465fs; shifts the reading frame from serine 1465.
Molecular consequence: frameshift variant.
Genome position (GRCh38, 1-based): chr5:112,839,989-112,839,990, TG deleted; deleting any 2 consecutive bases within chr5:112,839,988-112,839,990 gives the same sequence; the c. name uses the placement nearest the transcript's 3' end. VCF-style (leftmost placement, unchanged base first): chr5-112839987-AGT-A. GRCh37 (hg19) VCF-style: chr5-112175684-AGT-A.
Other names: c.4425_4426del, p.Ser1475fs (NM_001354897.2); c.4320_4321del, p.Ser1440fs (NM_001354898.2); c.4311_4312del, p.Ser1437fs (NM_001354899.2); c.4272_4273del, p.Ser1424fs (NM_001354900.2); c.4395_4396del, p.Ser1465fs (NM_001127510.3, NM_001354895.2); c.4341_4342del, p.Ser1447fs (NM_001127511.3); c.4449_4450del, p.Ser1483fs (NM_001354896.2); c.4218_4219del, p.Ser1406fs (NM_001354901.2); and 5 more; short protein forms S1182fs, S1305fs, S1339fs, S1364fs, S1374fs, S1406fs, S1424fs, S1437fs.
Identifiers: ClinVar variation 1070413 (VCV001070413.10), dbSNP rs2149913642, ClinGen allele CA645543868.
Genomic context (GRCh38, chr5:112,839,987, plus strand): 5'-ACAGCTCAAACCAAGCGAGAAGTACCTAAAAATAAAGCACCTACTGCTGAAAAGAGAGAG[AGT>A]GGACCTAAGCAAGCTGCAGTAAATGCTGCAGTTCAGAGGGTCCAGGTTCTTCCAGATGCT-3'